The following is an entry in ClinVar:

NM_006030.4(CACNA2D2):c.946G>A (p.Glu316Lys)

Gene: CACNA2D2 (calcium voltage-gated channel auxiliary subunit alpha2delta 2; minus strand). Cytogenetic location: 3p21.31.
Variant type: single nucleotide variant.
Coding change: c.946G>A on transcript NM_006030.4 (MANE Select); coding-DNA position 946, G replaced by A.
Protein change: p.Glu316Lys; replaces glutamic acid 316 with lysine.
Molecular consequence: missense variant.
Genome position (GRCh38, 1-based): chr3:50,379,772, C>T on the plus strand (G>A on the coding strand, the complement: CACNA2D2 is on the minus strand). VCF-style: chr3-50379772-C-T. GRCh37 (hg19) VCF-style: chr3-50417203-C-T.
Other names: c.946G>A (NM_001174051.1); c.946G>A, p.Glu316Lys (NM_001005505.3, NM_001174051.3, NM_001410768.1); c.739G>A, p.Glu247Lys (NM_001291101.1); short protein forms E247K, E316K.
Identifiers: ClinVar variation 1907790 (VCV001907790.6), dbSNP rs769033285, ClinGen allele CA2419019.
Genomic context (GRCh38, chr3:50,379,772, plus strand): 5'-CCTTGGCACTCACCGAGGCCACATTCACATAGTCATCATCAGACAGCGTGTCCAGCATCT[C>T]GCAGACAGATGTCTTCATCAGCTTCAGGGTCAGGCCGCTCACACTGCCACTCCTGGAGAG-3'
Protein context (NP_006021.2, residues 306-326): TLKLMKTSVC[Glu316Lys]MLDTLSDDDY

ClinVar aggregate classification (germline): Uncertain significance. Review status: criteria provided, multiple submitters, no conflicts (2 of 4 stars). 2 submissions from 2 submitters: Uncertain significance (2). Last evaluated 2025-08-04.

Conditions:
Early-infantile DEE. Also called: Early infantile epileptic encephalopathy with suppression bursts; Early infantile epileptic encephalopathy; Ohtahara syndrome. Identifiers: Orphanet 1934, MedGen C0393706, MONDO:0800491.
Inborn genetic diseases. Identifiers: MedGen C0950123, MeSH D030342.

Allele frequency attached by ClinVar (database versions not stated): ExAC 0.00001; gnomAD 0.00001.
gnomAD v4.1: 8 of 1,613,850 alleles (0.0005%); highest among the groups gnomAD compares: South Asian, 0.0033%; no homozygotes.

Submissions (2):

Ambry Genetics
Classification: Uncertain significance for Inborn genetic diseases. Last evaluated: 2025-08-04. Review status: criteria provided, single submitter. Criteria: Ambry Variant Classification Scheme 2023. Collection method: clinical testing. Allele origin: germline.

Labcorp Genetics (formerly Invitae), Labcorp
Classification: Uncertain significance for Early-infantile DEE. Last evaluated: 2022-04-24. Review status: criteria provided, single submitter. Criteria: Invitae Variant Classification Sherloc (09022015). Collection method: clinical testing. Allele origin: germline.
Comment: This sequence change replaces glutamic acid, which is acidic and polar, with lysine, which is basic and polar, at codon 316 of the CACNA2D2 protein (p.Glu316Lys). This variant is present in population databases (rs769033285, gnomAD 0.003%). This variant has not been reported in the literature in individuals affected with CACNA2D2-related conditions. Algorithms developed to predict the effect of missense changes on protein structure and function are either unavailable or do not agree on the potential impact of this missense change (SIFT: "Deleterious"; PolyPhen-2: "Possibly Damaging"; Align-GVGD: "Class C0"). In summary, the available evidence is currently insufficient to determine the role of this variant in disease. Therefore, it has been classified as a Variant of Uncertain Significance.